The following is an entry in ClinVar:

NM_000430.4(PAFAH1B1):c.389C>G (p.Ala130Gly)

Gene: PAFAH1B1 (platelet activating factor acetylhydrolase 1b regulatory subunit 1; plus strand). Cytogenetic location: 17p13.3.
Variant type: single nucleotide variant.
Coding change: c.389C>G on transcript NM_000430.4 (MANE Select); coding-DNA position 389, C replaced by G.
Protein change: p.Ala130Gly; replaces alanine 130 with glycine.
Molecular consequence: missense variant.
Genome position (GRCh38, 1-based): chr17:2,667,188, C>G. VCF-style: chr17-2667188-C-G. GRCh37 (hg19) VCF-style: chr17-2570482-C-G.
Other names: short protein forms A130G.
Identifiers: ClinVar variation 2706800 (VCV002706800.3), dbSNP rs2544090438, ClinGen allele CA397639200.

ClinVar aggregate classification (germline): Uncertain significance (1 of 4 stars; one submission).

Submission:

Labcorp Genetics (formerly Invitae), Labcorp
Classification: Uncertain significance. Last evaluated: 2023-12-31. Review status: criteria provided, single submitter. Criteria: Invitae Variant Classification Sherloc (09022015). Collection method: clinical testing. Allele origin: germline.
Comment: This sequence change replaces alanine, which is neutral and non-polar, with glycine, which is neutral and non-polar, at codon 130 of the PAFAH1B1 protein (p.Ala130Gly). This variant is not present in population databases (gnomAD no frequency). This variant has not been reported in the literature in individuals affected with PAFAH1B1-related conditions. An algorithm developed to predict the effect of missense changes on protein structure and function (PolyPhen-2) suggests that this variant is likely to be tolerated. In summary, the available evidence is currently insufficient to determine the role of this variant in disease. Therefore, it has been classified as a Variant of Uncertain Significance.